The following is an entry in ClinVar:

NC_000009.12:g.35657736_35657742del

Gene: RMRP (RNA component of mitochondrial RNA processing endoribonuclease; minus strand). Cytogenetic location: 9p13.3.
Variant type: Deletion.
Genome position: GRCh38 VCF-style: chr9-35657733-TGGTCTCG-T. GRCh37 (hg19) VCF-style: chr9-35657730-TGGTCTCG-T.
Identifiers: ClinVar variation 3648733 (VCV003648733.2).

ClinVar aggregate classification (germline): Uncertain significance (1 of 4 stars; one submission).

Conditions:
Anauxetic dysplasia. Identifiers: Orphanet 93347, MedGen C1846796, MONDO:0011773.

Submission:

Labcorp Genetics (formerly Invitae), Labcorp
Classification: Uncertain significance for Anauxetic dysplasia. Last evaluated: 2024-04-03. Review status: criteria provided, single submitter. Criteria: Invitae Variant Classification Sherloc (09022015). Collection method: clinical testing. Allele origin: germline.
Comment: This variant occurs in the RMRP gene, which encodes an RNA molecule that does not result in a protein product. This variant is not present in population databases (gnomAD no frequency). This variant has not been reported in the literature in individuals affected with RMRP-related conditions. Experimental studies and prediction algorithms are not available or were not evaluated, and the functional significance of this variant is currently unknown. In summary, the available evidence is currently insufficient to determine the role of this variant in disease. Therefore, it has been classified as a Variant of Uncertain Significance.